The following is an entry in ClinVar:

ClinVar aggregate classification (germline): Uncertain significance (1 of 4 stars; one submission).

gnomAD v4.1: 1 of 1,612,520 alleles (0.000062%); highest among the groups gnomAD compares: Non-Finnish European, 0.000085%; no homozygotes.

Submission:

Ambry Genetics
Classification: Uncertain significance. Last evaluated: 2022-07-10. Review status: criteria provided, single submitter. Criteria: Ambry Variant Classification Scheme 2023. Collection method: clinical testing. Allele origin: germline.
Comment: The p.T1549S variant (also known as c.4646C>G), located in coding exon 16 of the POLQ gene, results from a C to G substitution at nucleotide position 4646. The threonine at codon 1549 is replaced by serine, an amino acid with similar properties. This amino acid position is conserved. In addition, this alteration is predicted to be tolerated by in silico analysis. Since supporting evidence is limited at this time, the clinical significance of this alteration remains unclear.

NM_199420.4(POLQ):c.4646C>G (p.Thr1549Ser)

Gene: POLQ (DNA polymerase theta; minus strand). Cytogenetic location: 3q13.33.
Variant type: single nucleotide variant.
Coding change: c.4646C>G on transcript NM_199420.4 (MANE Select); coding-DNA position 4646, C replaced by G.
Protein change: p.Thr1549Ser; replaces threonine 1549 with serine.
Molecular consequence: missense variant.
Genome position (GRCh38, 1-based): chr3:121,488,285, G>C on the plus strand (C>G on the coding strand, the complement: POLQ is on the minus strand). VCF-style: chr3-121488285-G-C. GRCh37 (hg19) VCF-style: chr3-121207132-G-C.
Other names: short protein forms T1549S.
Identifiers: ClinVar variation 1742153 (VCV001742153.2), dbSNP rs903692851, ClinGen allele CA354094333.